The following is an entry in ClinVar:

ClinVar aggregate classification (germline): Pathogenic (1 of 4 stars; one submission).

Conditions:
Familial adenomatous polyposis 1 (FAP1). Also called: FAMILIAL ADENOMATOUS POLYPOSIS 1, ATTENUATED; POLYPOSIS, ADENOMATOUS INTESTINAL. Identifiers: MedGen C2713442, MONDO:0021056, OMIM 175100. Disease mechanism: loss of function.

Submission:

Labcorp Genetics (formerly Invitae), Labcorp
Classification: Pathogenic for Familial adenomatous polyposis 1. Last evaluated: 2024-04-22. Review status: criteria provided, single submitter. Criteria: Invitae Variant Classification Sherloc (09022015). Collection method: clinical testing. Allele origin: germline.
Comment: This sequence change creates a premature translational stop signal (p.Val1173Glyfs*9) in the APC gene. While this is not anticipated to result in nonsense mediated decay, it is expected to disrupt the last 1671 amino acid(s) of the APC protein. This variant is not present in population databases (gnomAD no frequency). This variant has not been reported in the literature in individuals affected with APC-related conditions. This variant is expected to disrupt the EB1 and HDLG binding sites, which mediate interactions with the cytoskeleton (PMID: 15311282, 17293347). While functional studies have not been performed to directly test the effect on APC protein function, this suggests that disruption of the C-terminal portion of the protein is functionally important. A different truncation (p.Tyr2645Lysfs*14) that lies downstream of this variant has been determined to be pathogenic (PMID: 9824584, 1316610, 27081525, 8381579, 22135120, Invitae). This suggests that deletion of this region of the APC protein is causative of disease. For these reasons, this variant has been classified as Pathogenic.

Literature cited by the submitters: PubMed 15311282; PubMed 17293347; PubMed 9824584; PubMed 1316610; PubMed 27081525; PubMed 8381579; PubMed 22135120.

NM_000038.6(APC):c.3518del (p.Val1173fs)

Gene: APC (APC regulator of Wnt signaling pathway; plus strand). Cytogenetic location: 5q22.2.
Variant type: Deletion.
Coding change: c.3518del on transcript NM_000038.6 (MANE Select); coding-DNA position 3518, one base deleted (T; older notation c.3518delT).
Protein change: p.Val1173fs; shifts the reading frame from valine 1173.
Molecular consequence: frameshift variant. On other transcripts: non-coding transcript variant (2).
Genome position (GRCh38, 1-based): chr5:112,839,112, T deleted. VCF-style (leftmost placement, unchanged base first): chr5-112839111-GT-G. GRCh37 (hg19) VCF-style: chr5-112174808-GT-G.
Other names: c.3518del, p.Val1173fs (NM_001127510.3, NM_001354895.2, NM_001407450.1); c.3464del, p.Val1155fs (NM_001127511.3); c.3572del, p.Val1191fs (NM_001354896.2, NM_001407447.1, NM_001407448.1 and 1 more transcripts); c.3548del, p.Val1183fs (NM_001354897.2); c.3443del, p.Val1148fs (NM_001354898.2); c.3434del, p.Val1145fs (NM_001354899.2); c.3395del, p.Val1132fs (NM_001354900.2); c.3341del, p.Val1114fs (NM_001354901.2, NM_001407453.1); and 11 more; short protein forms V1163fs, V1201fs, V1047fs, V1082fs, V1173fs, V1183fs, V1044fs, V1072fs.
Identifiers: ClinVar variation 2726844 (VCV002726844.3), dbSNP rs2533504822, ClinGen allele CA2697546396.
Genomic context (GRCh38, chr5:112,839,111, plus strand): 5'-CATGAAGAAGAAGAGAGACCAACAAATTATAGCATAAAATATAATGAAGAGAAACGTCAT[GT>G]GGATCAGCCTATTGATTATAGTTTAAAATATGCCACAGATATTCCTTCATCACAGAAACA-3'